The following is an entry in ClinVar:

ClinVar aggregate classification (germline): Uncertain significance. Review status: criteria provided, multiple submitters, no conflicts (2 of 4 stars). 3 submissions from 3 submitters: Uncertain significance (3). Last evaluated 2025-06-17.

Conditions:
Inborn genetic diseases. Identifiers: MedGen C0950123, MeSH D030342.

Submissions (3):

Ambry Genetics
Classification: Uncertain significance for Inborn genetic diseases. Last evaluated: 2025-06-17. Review status: criteria provided, single submitter. Criteria: Ambry Variant Classification Scheme 2023. Collection method: clinical testing. Allele origin: germline.

Labcorp Genetics (formerly Invitae), Labcorp
Classification: Uncertain significance. Last evaluated: 2023-06-10. Review status: criteria provided, single submitter. Criteria: Invitae Variant Classification Sherloc (09022015). Collection method: clinical testing. Allele origin: germline.
Comment: In summary, the available evidence is currently insufficient to determine the role of this variant in disease. Therefore, it has been classified as a Variant of Uncertain Significance. Advanced modeling of protein sequence and biophysical properties (such as structural, functional, and spatial information, amino acid conservation, physicochemical variation, residue mobility, and thermodynamic stability) performed at Invitae indicates that this missense variant is not expected to disrupt DCHS1 protein function. ClinVar contains an entry for this variant (Variation ID: 1302588). This variant has not been reported in the literature in individuals affected with DCHS1-related conditions. This variant is not present in population databases (gnomAD no frequency). This sequence change replaces valine, which is neutral and non-polar, with leucine, which is neutral and non-polar, at codon 2470 of the DCHS1 protein (p.Val2470Leu).

GeneDx
Classification: Uncertain significance. Last evaluated: 2019-05-02. Review status: criteria provided, single submitter. Criteria: GeneDx Variant Classification Process June 2021. Collection method: clinical testing. Allele origin: germline. Affected: yes.
Comment: Not observed in large population cohorts (Lek et al., 2016); In silico analysis, which includes protein predictors and evolutionary conservation, supports that this variant does not alter protein structure/function; Has not been previously published as pathogenic or benign to our knowledge

NM_003737.4(DCHS1):c.7408G>T (p.Val2470Leu)

Gene: DCHS1 (dachsous cadherin-related 1; minus strand). Cytogenetic location: 11p15.4.
Variant type: single nucleotide variant.
Coding change: c.7408G>T on transcript NM_003737.4 (MANE Select); coding-DNA position 7408, G replaced by T.
Protein change: p.Val2470Leu; replaces valine 2470 with leucine.
Molecular consequence: missense variant.
Genome position (GRCh38, 1-based): chr11:6,624,268, C>A on the plus strand (G>T on the coding strand, the complement: DCHS1 is on the minus strand). VCF-style: chr11-6624268-C-A. GRCh37 (hg19) VCF-style: chr11-6645499-C-A.
Other names: c.7408G>T (NM_003737.2); short protein forms V2470L.
Identifiers: ClinVar variation 1302588 (VCV001302588.6), dbSNP rs755522289, ClinGen allele CA379483145.